The following is an entry in ClinVar:

NM_002253.4(KDR):c.1136C>T (p.Ala379Val)

Gene: KDR (kinase insert domain receptor; minus strand). Cytogenetic location: 4q12.
Variant type: single nucleotide variant.
Coding change: c.1136C>T on transcript NM_002253.4 (MANE Select); coding-DNA position 1136, C replaced by T.
Protein change: p.Ala379Val; replaces alanine 379 with valine.
Molecular consequence: missense variant.
Genome position (GRCh38, 1-based): chr4:55,110,522, G>A on the plus strand (C>T on the coding strand, the complement: KDR is on the minus strand). VCF-style: chr4-55110522-G-A. GRCh37 (hg19) VCF-style: chr4-55976689-G-A.
Other names: c.1136C>T (NM_002253.2); short protein forms A379V.
Identifiers: ClinVar variation 2672213 (VCV002672213.3), dbSNP rs747477930, ClinGen allele CA2924797.

ClinVar aggregate classification (germline): Uncertain significance. Review status: criteria provided, multiple submitters, no conflicts (2 of 4 stars). 3 submissions from 3 submitters: Uncertain significance (3). Last evaluated 2026-03-25.

Conditions:
Tufted angioma of skin. Also called: Tufted angioma. Identifiers: Orphanet 1063, MedGen C0346073, MONDO:0011927, OMIM 607859, HP:0012329.
Capillary infantile hemangioma. Also called: HEMANGIOMA, HEREDITARY CAPILLARY; Hemangioma, capillary infantile, somatic; Hereditary capillary infantile hemangioma. Identifiers: MedGen C1865871, MONDO:0011191, OMIM 602089.

Allele frequency attached by ClinVar (database versions not stated): ExAC 0.00016; gnomAD 0.00018; gnomAD exomes 0.00008.
gnomAD v4.1: 146 of 1,613,658 alleles (0.009%); highest among the groups gnomAD compares: Middle Eastern, 0.049%; no homozygotes.

Submissions (3):

GeneDx
Classification: Uncertain significance. Last evaluated: 2026-03-25. Review status: criteria provided, single submitter. Criteria: GeneDx Variant Classification Process June 2021. Collection method: clinical testing. Allele origin: germline.
Comment: In silico analysis suggests that this missense variant does not alter protein structure/function; Has not been previously published as pathogenic or benign to our knowledge

Clinical Genomics Laboratory, Washington University in St. Louis
Classification: Uncertain significance for Tufted angioma of skin. Last evaluated: 2023-08-17. Review status: criteria provided, single submitter. Criteria: ACMG Guidelines, 2015. Collection method: clinical testing. Allele origin: germline.
Comment: The KDR c.1136C>T (p.Ala379Val) variant was identified at near heterozygous allelic fraction. It has been reported in a somatic state in two Chinese individuals affected with endometrioid endometrial carcinoma (Wang Y et al PMID: 30886832) but to our knowledge, it has not been reported in the literature in a germline state. The highest population minor allele frequency in the population database genome aggregation database (v.2.1.1) is 0.027%. Computational predictors suggest that the variant does not impact KDR function. Due to limited information, and based on ACMG/AMP guidelines for variant interpretation (Richards S et al., PMID: 25741868), the clinical significance of this variant is uncertain at this time.

Department of Pathology and Laboratory Medicine, Sinai Health System
Classification: Uncertain significance for Capillary infantile hemangioma. Last evaluated: 2020-08-17. Review status: criteria provided, single submitter. Criteria: ACMG Guidelines, 2015. Collection method: research. Allele origin: germline.